The following is an entry in ClinVar:

ClinVar aggregate classification (germline): Uncertain significance (1 of 4 stars; one submission).

Allele frequency attached by ClinVar (database versions not stated): gnomAD exomes below 0.00001; ExAC 0.00002; TOPMed 0.00003; gnomAD 0.00004; ESP Exome Variant Server 0.00008.
gnomAD v4.1: 11 of 1,611,570 alleles (0.00068%); highest among the groups gnomAD compares: African/African-American, 0.0013%; no homozygotes.

Submission:

Labcorp Genetics (formerly Invitae), Labcorp
Classification: Uncertain significance. Last evaluated: 2025-04-14. Review status: criteria provided, single submitter. Criteria: Invitae Variant Classification Sherloc (09022015). Collection method: clinical testing. Allele origin: germline.
Comment: This sequence change replaces isoleucine, which is neutral and non-polar, with threonine, which is neutral and polar, at codon 273 of the LARS2 protein (p.Ile273Thr). This variant is present in population databases (rs375191827, gnomAD 0.002%). This variant has not been reported in the literature in individuals affected with LARS2-related conditions. ClinVar contains an entry for this variant (Variation ID: 1917018). Invitae Evidence Modeling of protein sequence and biophysical properties (such as structural, functional, and spatial information, amino acid conservation, physicochemical variation, residue mobility, and thermodynamic stability) indicates that this missense variant is expected to disrupt LARS2 protein function with a positive predictive value of 80%. In summary, the available evidence is currently insufficient to determine the role of this variant in disease. Therefore, it has been classified as a Variant of Uncertain Significance.

NM_015340.4(LARS2):c.818T>C (p.Ile273Thr)

Gene: LARS2 (leucyl-tRNA synthetase 2, mitochondrial; plus strand). Cytogenetic location: 3p21.31.
Variant type: single nucleotide variant.
Coding change: c.818T>C on transcript NM_015340.4 (MANE Select); coding-DNA position 818, T replaced by C.
Protein change: p.Ile273Thr; replaces isoleucine 273 with threonine.
Molecular consequence: missense variant.
Genome position (GRCh38, 1-based): chr3:45,474,310, T>C. VCF-style: chr3-45474310-T-C. GRCh37 (hg19) VCF-style: chr3-45515802-T-C.
Other names: c.818T>C, p.Ile273Thr (NM_001368263.1); short protein forms I273T.
Identifiers: ClinVar variation 1917018 (VCV001917018.5), dbSNP rs375191827, ClinGen allele CA2349421.